The following is an entry in ClinVar:

ClinVar aggregate classification (germline): Uncertain significance (1 of 4 stars; one submission).

Conditions:
Dilated cardiomyopathy 2B. Identifiers: Orphanet 154, MedGen C3553409, MONDO:0013848, OMIM 614672.

Submission:

Labcorp Genetics (formerly Invitae), Labcorp
Classification: Uncertain significance for Dilated cardiomyopathy 2B. Last evaluated: 2023-03-15. Review status: criteria provided, single submitter. Criteria: Invitae Variant Classification Sherloc (09022015). Collection method: clinical testing. Allele origin: germline.
Comment: This variant is not present in population databases (gnomAD no frequency). This sequence change replaces arginine, which is basic and polar, with serine, which is neutral and polar, at codon 96 of the GATAD1 protein (p.Arg96Ser). This variant has not been reported in the literature in individuals affected with GATAD1-related conditions. Advanced modeling of protein sequence and biophysical properties (such as structural, functional, and spatial information, amino acid conservation, physicochemical variation, residue mobility, and thermodynamic stability) performed at Invitae indicates that this missense variant is not expected to disrupt GATAD1 protein function. In summary, the available evidence is currently insufficient to determine the role of this variant in disease. Therefore, it has been classified as a Variant of Uncertain Significance.

NM_021167.5(GATAD1):c.288A>T (p.Arg96Ser)

Gene: GATAD1 (GATA zinc finger domain containing 1; plus strand). Cytogenetic location: 7q21.2.
Variant type: single nucleotide variant.
Coding change: c.288A>T on transcript NM_021167.5 (MANE Select); coding-DNA position 288, A replaced by T.
Protein change: p.Arg96Ser; replaces arginine 96 with serine.
Molecular consequence: missense variant. On other transcripts: non-coding transcript variant (1).
Genome position (GRCh38, 1-based): chr7:92,448,790, A>T. VCF-style: chr7-92448790-A-T. GRCh37 (hg19) VCF-style: chr7-92078104-A-T.
Other names: short protein forms R96S.
Identifiers: ClinVar variation 2824454 (VCV002824454.3), dbSNP rs2484519426, ClinGen allele CA368156636.
Genomic context (GRCh38, chr7:92,448,790, plus strand): 5'-CTTTAATTTGTTTGTGTAACAGAGTAAGCAGGAAATTCACAGGAGGTCTGCTCGGCTCAG[A>T]AACACTAAATACAAATCTGCTCCGGCTGCTGAAAAGAAAGTCTCCACCAAAGGAAAAGGG-3'
Protein context (NP_066990.3, residues 86-106): QEIHRRSARL[Arg96Ser]NTKYKSAPAA